The following is an entry in ClinVar:

ClinVar aggregate classification (germline): Conflicting classifications of pathogenicity. Review status: criteria provided, conflicting classifications (1 of 4 stars). 3 submissions from 3 submitters: Uncertain significance (2); Likely benign (1). Last evaluated 2025-04-15.

Conditions:
Inborn genetic diseases. Identifiers: MedGen C0950123, MeSH D030342.

gnomAD v4.1: 50 of 1,612,440 alleles (0.0031%); highest among the groups gnomAD compares: Admixed American, 0.073%; no homozygotes.

Submissions (3):

Women's Health and Genetics/Laboratory Corporation of America, LabCorp
Classification: Uncertain significance. Last evaluated: 2025-04-15. Review status: criteria provided, single submitter. Criteria: LabCorp Variant Classification Summary - May 2015. Collection method: clinical testing. Allele origin: germline.
Comment: Variant summary: PDE3A c.506G>T (p.Gly169Val) results in a non-conservative amino acid change in the encoded protein sequence. Three of five in-silico tools predict a benign effect of the variant on protein function. The variant allele was found at a frequency of 0.00017 in 238812 control chromosomes (gnomAD). This frequency is not significantly higher than estimated for a pathogenic variant in PDE3A causing Brachydactyly-Arterial Hypertension Syndrome, allowing no conclusion about variant significance. To our knowledge, no occurrence of c.506G>T in individuals affected with Brachydactyly-Arterial Hypertension Syndrome and no experimental evidence demonstrating its impact on protein function have been reported. ClinVar contains an entry for this variant (Variation ID: 2885180). Based on the evidence outlined above, the variant was classified as uncertain significance.

Ambry Genetics
Classification: Uncertain significance for Inborn genetic diseases. Last evaluated: 2024-10-19. Review status: criteria provided, single submitter. Criteria: Ambry Variant Classification Scheme 2023. Collection method: clinical testing. Allele origin: germline.

Labcorp Genetics (formerly Invitae), Labcorp
Classification: Likely benign. Last evaluated: 2024-03-10. Review status: criteria provided, single submitter. Criteria: Invitae Variant Classification Sherloc (09022015). Collection method: clinical testing. Allele origin: germline.

NM_000921.5(PDE3A):c.506G>T (p.Gly169Val)

Genes: PDE3A (phosphodiesterase 3A; plus strand), PDE3A-AS1 (PDE3A antisense RNA 1; minus strand), LOC124625920 (Sharpr-MPRA regulatory region 8059; plus strand). Cytogenetic location: 12p12.2.
Variant type: single nucleotide variant.
Coding change: c.506G>T on transcript NM_000921.5 (MANE Select); coding-DNA position 506, G replaced by T.
Protein change: p.Gly169Val; replaces glycine 169 with valine.
Molecular consequence: missense variant. On other transcripts: 5 prime UTR variant (1).
Genome position (GRCh38, 1-based): chr12:20,369,790, G>T. VCF-style: chr12-20369790-G-T. GRCh37 (hg19) VCF-style: chr12-20522724-G-T.
Other names: c.506G>T (NM_000921.4); c.506G>T, p.Gly169Val (NM_001378407.1); c.-523G>T (NM_001378408.1); short protein forms G169V.
Identifiers: ClinVar variation 2885180 (VCV002885180.6), dbSNP rs760787571, ClinGen allele CA6473442.